The following is an entry in ClinVar:

ClinVar aggregate classification (germline): Conflicting classifications of pathogenicity. Review status: criteria provided, conflicting classifications (1 of 4 stars). 7 submissions from 7 submitters: Uncertain significance (6); Likely benign (1). Last evaluated 2024-10-22.

Conditions:
Hereditary cancer-predisposing syndrome. Also called: Tumor predisposition; Neoplastic Syndromes, Hereditary; Hereditary Cancer Syndrome; Hereditary neoplastic syndrome. Identifiers: Orphanet 140162, MedGen C0027672, MeSH D009386, MONDO:0015356.
Hereditary diffuse gastric adenocarcinoma (HDGC). Also called: DIFFUSE GASTRIC AND LOBULAR BREAST CANCER SYNDROME. Identifiers: Orphanet 26106, MedGen C1708349, MONDO:0007648, OMIM 137215.

Allele frequency attached by ClinVar (database versions not stated): ExAC 0.00001; gnomAD exomes 0.00001.

Submissions (7):

Labcorp Genetics (formerly Invitae), Labcorp
Classification: Uncertain significance for Hereditary diffuse gastric adenocarcinoma. Last evaluated: 2024-10-22. Review status: criteria provided, single submitter. Criteria: Invitae Variant Classification Sherloc (09022015). Collection method: clinical testing. Allele origin: germline.
Comment: This sequence change replaces glutamic acid, which is acidic and polar, with lysine, which is basic and polar, at codon 261 of the CDH1 protein (p.Glu261Lys). This variant is present in population databases (rs121964873, gnomAD 0.003%). This variant has not been reported in the literature in individuals affected with CDH1-related conditions. ClinVar contains an entry for this variant (Variation ID: 406670). An algorithm developed to predict the effect of missense changes on protein structure and function (PolyPhen-2) suggests that this variant is likely to be tolerated. In summary, the available evidence is currently insufficient to determine the role of this variant in disease. Therefore, it has been classified as a Variant of Uncertain Significance.

Ambry Genetics
Classification: Likely benign for Hereditary cancer-predisposing syndrome. Last evaluated: 2024-02-16. Review status: criteria provided, single submitter. Criteria: Ambry Variant Classification Scheme 2023. Collection method: clinical testing. Allele origin: germline.

Institute for Biomarker Research, Medical Diagnostic Laboratories, L.L.C.
Classification: Uncertain significance for Hereditary cancer-predisposing syndrome. Last evaluated: 2023-09-05. Review status: criteria provided, single submitter. Criteria: ACMG Guidelines, 2015. Collection method: clinical testing. Allele origin: germline.

Quest Diagnostics Nichols Institute San Juan Capistrano
Classification: Uncertain significance. Last evaluated: 2020-01-30. Review status: criteria provided, single submitter. Criteria: Quest Diagnostics criteria. Collection method: clinical testing. Allele origin: unknown.

Color Diagnostics, LLC DBA Color Health
Classification: Uncertain significance for Hereditary cancer-predisposing syndrome. Last evaluated: 2019-12-10. Review status: criteria provided, single submitter. Criteria: ACMG Guidelines, 2015. Collection method: clinical testing. Allele origin: germline.
Comment: This missense variant replaces glutamic acid with lysine at codon 261 of the CDH1 protein. Computational prediction suggests that this variant may not impact protein structure and function (internally defined REVEL score threshold <= 0.5, PMID: 27666373). Splice site prediction tools suggest that this variant may not impact RNA splicing. To our knowledge, functional studies have not been performed for this variant. This variant has not been reported in individuals affected with hereditary cancer in the literature. This variant has been identified in 3/251458 chromosomes in the general population by the Genome Aggregation Database (gnomAD). The available evidence is insufficient to determine the role of this variant in disease conclusively. Therefore, this variant is classified as a Variant of Uncertain Significance.

Foundation for Research in Genetics and Endocrinology, FRIGE's Institute of Human Genetics
Classification: Uncertain significance for Hereditary diffuse gastric adenocarcinoma. Last evaluated: 2019-12-07. Review status: criteria provided, single submitter. Criteria: ACMG Guidelines, 2015. Collection method: clinical testing. Allele origin: germline. Inheritance: Autosomal dominant inheritance. Affected: yes. Observed: 1 heterozygote.
Comment: A heterozygous missense variation in exon 6 of the CDH1 gene that results in the amino acid substitution of Lysine for Glutamic acid at codon 261 was detected. The observed variant c.781G>A (p.Glu261Lys) is documented as variant of uncertain significance in ClinVar database. The p.Glu261Lys variant has not been reported in the 1000 Genomes and has a minor allele frequency of 0.0008% in the ExAC databases. The in silico prediction of the variant is damaging by MutationTaster2 tool. The reference codon is conserved in primates. In summary, the variant meets our criteria to be classified as variant of unknown significance.

GeneDx
Classification: Uncertain significance. Last evaluated: 2017-12-12. Review status: criteria provided, single submitter. Criteria: GeneDx Variant Classification (06012015). Collection method: clinical testing. Allele origin: germline. Affected: yes.
Comment: This variant is denoted CDH1 c.781G>A at the cDNA level, p.Glu261Lys (E261K) at the protein level, and results in the change of a Glutamic Acid to a Lysine (GAA>AAA). This variant has not, to our knowledge, been published in the literature as a germline variant; however, it has been reported as a somatic variant in uterine cancer (Zhao 2015). CDH1 Glu261Lys was not observed at a significant allele frequency in large population cohorts (Lek 2016). Since Glutamic Acid and Lysine differ in polarity, charge, size or other properties, this is considered a non-conservative amino acid substitution. CDH1 Glu261Lys is located within the extracellular domain (Brooks-Wilson 2004, Figueiredo 2013). In-silico analyses, including protein predictors and evolutionary conservation, support that this variant does not alter protein structure or function. Based on currently available evidence, it is unclear whether CDH1 Glu261Lys is a pathogenic or benign variant. We consider it to be a variant of uncertain significance.

Literature cited by the submitters: PubMed 29522266 (cited by Ambry Genetics).

NM_004360.5(CDH1):c.781G>A (p.Glu261Lys)

Gene: CDH1 (cadherin 1; plus strand). Cytogenetic location: 16q22.1.
Variant type: single nucleotide variant.
Coding change: c.781G>A on transcript NM_004360.5 (MANE Select); coding-DNA position 781, G replaced by A.
Protein change: p.Glu261Lys; replaces glutamic acid 261 with lysine.
Molecular consequence: missense variant. On other transcripts: 5 prime UTR variant (2).
Genome position (GRCh38, 1-based): chr16:68,810,290, G>A. VCF-style: chr16-68810290-G-A. GRCh37 (hg19) VCF-style: chr16-68844193-G-A.
Other names: c.781G>A (LRG_301t1); c.781G>A, p.Glu261Lys (NM_001317184.2); c.-835G>A (NM_001317185.2); c.-1039G>A (NM_001317186.2); short protein forms E261K.
Identifiers: ClinVar variation 406670 (VCV000406670.20), dbSNP rs121964873, ClinGen allele CA8129931.
Genomic context (GRCh38, chr16:68,810,290, plus strand): 5'-GCAGTTGAGGATCCAATGGAGATTTTGATCACGGTAACCGATCAGAATGACAACAAGCCC[G>A]AATTCACCCAGGAGGTCTTTAAGGGGTCTGTCATGGAAGGTGCTCTTCCAGGTATATCCA-3'
Protein context (NP_004351.1, residues 251-271): TVTDQNDNKP[Glu261Lys]FTQEVFKGSV